The following is an entry in ClinVar:

NM_001204.7(BMPR2):c.149G>T (p.Arg50Ile)

Gene: BMPR2 (bone morphogenetic protein receptor type 2; plus strand). Cytogenetic location: 2q33.1.
Variant type: single nucleotide variant.
Coding change: c.149G>T on transcript NM_001204.7 (MANE Select); coding-DNA position 149, G replaced by T.
Protein change: p.Arg50Ile; replaces arginine 50 with isoleucine.
Molecular consequence: missense variant.
Genome position (GRCh38, 1-based): chr2:202,464,881, G>T. VCF-style: chr2-202464881-G-T. GRCh37 (hg19) VCF-style: chr2-203329604-G-T.
Other names: short protein forms R50I.
Identifiers: ClinVar variation 4867659 (VCV004867659.1).
Genomic context (GRCh38, chr2:202,464,881, plus strand): 5'-AAGAACGGCTATGTGCGTTTAAAGATCCGTATCAGCAAGACCTTGGGATAGGTGAGAGTA[G>T]AATCTCTCATGAAAATGGGACAATATTATGCTCGAAAGGTAGCACCTGCTATGGCCTTTG-3'
Protein context (NP_001195.2, residues 40-60): YQQDLGIGES[Arg50Ile]ISHENGTILC

ClinVar aggregate classification (germline): Uncertain significance (1 of 4 stars; one submission).

Conditions:
Inborn genetic diseases. Identifiers: MedGen C0950123, MeSH D030342.

Submission:

Ambry Genetics
Classification: Uncertain significance for Inborn genetic diseases. Last evaluated: 2026-06-08. Review status: criteria provided, single submitter. Criteria: Ambry Variant Classification Scheme 2023. Collection method: clinical testing. Allele origin: germline.
Comment: The p.R50I variant (also known as c.149G>T), located in coding exon 2 of the BMPR2 gene, results from a G to T substitution at nucleotide position 149. The arginine at codon 50 is replaced by isoleucine, an amino acid with similar properties. This amino acid position is conserved. In addition, the in silico prediction for this alteration is inconclusive. Based on the available evidence, the clinical significance of this variant remains unclear.